The following is an entry in ClinVar:

ClinVar aggregate classification (germline): Uncertain significance (1 of 4 stars; one submission).

Conditions:
Leigh syndrome (NULS). Also called: Leigh's necrotizing encephalopathy; Leigh's disease; Leigh Syndrome (mtDNA deletion); Leigh Disease; Subacute necrotizing encephalopathy; Necrotizing encephalopathy infantile subacute of Leigh. Identifiers: Orphanet 506, MedGen C2931891, MONDO:0009723, OMIM 256000.

Submission:

Wong Mito Lab, Molecular and Human Genetics, Baylor College of Medicine
Classification: Uncertain significance for Leigh syndrome. Last evaluated: 2019-10-17. Review status: criteria provided, single submitter. Criteria: Modified ACMG Guidelines (Unpublished). Collection method: clinical testing. Allele origin: germline.
Comment: The NC_012920.1:m.8411A>C (YP_003024030.1:p.Met16Leu) variant in MTATP8 gene is interpretated to be a Uncertain Significance variant based on the modified ACMG guidelines (unpublished). This variant meets the following evidence codes: BS4

NC_012920.1(MT-ATP8):m.8411A>C

Gene: MT-ATP8 (mitochondrially encoded ATP synthase 8; plus strand).
Variant type: single nucleotide variant.
Genome position: chrM-8411-A-C.
Identifiers: ClinVar variation 692847 (VCV000692847.1), dbSNP rs878942289, ClinGen allele CA337097853.